The following is an entry in ClinVar:

NM_001009944.3(PKD1):c.7864-1G>C

Gene: PKD1 (polycystin 1, transient receptor potential channel interacting; minus strand). Cytogenetic location: 16p13.3.
Variant type: single nucleotide variant.
Coding change: c.7864-1G>C on transcript NM_001009944.3 (MANE Select); the canonical splice acceptor site of the intron before coding-DNA position 7864, G replaced by C.
Molecular consequence: splice acceptor variant.
Genome position (GRCh38, 1-based): chr16:2,105,475, C>G on the plus strand (G>C on the coding strand, the complement: PKD1 is on the minus strand). VCF-style: chr16-2105475-C-G. GRCh37 (hg19) VCF-style: chr16-2155476-C-G.
Other names: c.7864-1G>C (NM_000296.4).
Identifiers: ClinVar variation 4531553 (VCV004531553.1).

ClinVar aggregate classification (germline): Pathogenic (1 of 4 stars; one submission).

Conditions:
Polycystic kidney disease, adult type (PKD1). Also called: Polycystic Kidney, Autosomal Dominant; POLYCYSTIC KIDNEY DISEASE, ADULT, TYPE I; Polycystic Kidney Disease 1, Autosomal Dominant; Polycystic kidney disease 1; Polycystic kidney disease 1, severe; POLYCYSTIC KIDNEY DISEASE 1 WITH OR WITHOUT POLYCYSTIC LIVER DISEASE. Identifiers: MedGen C3149841, MONDO:0008263, OMIM 173900.

Submission:

Victorian Clinical Genetics Services, Murdoch Childrens Research Institute
Classification: Pathogenic for Polycystic kidney disease, adult type. Last evaluated: 2025-02-14. Review status: criteria provided, single submitter. Criteria: ACMG Guidelines, 2015. Collection method: clinical testing. Allele origin: germline. Affected: yes.
Comment: This variant is classified as Pathogenic. Evidence in support of pathogenic classification: Canonical splice site variant without proven consequence on splicing (no functional evidence available); Variant is absent from gnomAD (v2, v3 and v4); Other canonical splice site variants comparable to the one identified in this case have very strong previous evidence for pathogenicity. Multiple alternate nucleotide changes within this canonical splice site (c.7864-1G>T, c.7864-1G>A, c.7864-2A>T, and c.7864-2A>G) have been classified as likely pathogenic or pathogenic by clinical laboratories (ClinVar, PMID: 22508176). The c.7864-2A>G variant has also been reported in an individual with ADPKD (PMID: 22383692); Abnormal splicing is predicted by in silico tool and affected nucleotide is highly conserved. Additional information: This variant is heterozygous; This gene is associated with autosomal dominant disease. Polycystic kidney disease 1 (MIM#173900) is predominantly caused by monoallelic variants, with rare reports of biallelic variants causing disease (OMIM); Alternative nucleotide change(s) at the same canonical splice site OR initiation codon, are present in gnomAD (Highest allele count: v4: 1 heterozygote(s), 0 homozygote(s)); This variant has no previous evidence of pathogenicity; No published segregation evidence has been identified for this variant; No published functional evidence has been identified for this variant; Loss of function is a known mechanism of disease in this gene and is associated with polycystic kidney disease 1 (MIM#173900); Inheritance information for this variant is not currently available in this individual.

Literature cited by the submitters: PubMed 22383692; PubMed 22508176.